The following is an entry in ClinVar:

NM_006946.4(SPTBN2):c.7109G>A (p.Arg2370His)

Gene: SPTBN2 (spectrin beta, non-erythrocytic 2; minus strand). Cytogenetic location: 11q13.2.
Variant type: single nucleotide variant.
Coding change: c.7109G>A on transcript NM_006946.4 (MANE Select); coding-DNA position 7109, G replaced by A.
Protein change: p.Arg2370His; replaces arginine 2370 with histidine.
Molecular consequence: missense variant.
Genome position (GRCh38, 1-based): chr11:66,685,935, C>T on the plus strand (G>A on the coding strand, the complement: SPTBN2 is on the minus strand). VCF-style: chr11-66685935-C-T. GRCh37 (hg19) VCF-style: chr11-66453406-C-T.
Other names: c.7109G>A (NM_006946.2); short protein forms R2370H.
Identifiers: ClinVar variation 619974 (VCV000619974.75), dbSNP rs145522851, ClinGen allele CA6127635.

ClinVar aggregate classification (germline): Conflicting classifications of pathogenicity. Review status: criteria provided, conflicting classifications (1 of 4 stars). 8 submissions from 8 submitters: Likely pathogenic (1); Uncertain significance (2); Likely benign (2). 3 of the submissions do not count toward it. Last evaluated 2025-03-17.

Conditions:
Spinocerebellar ataxia type 5 (SCA5). Identifiers: Orphanet 98766, MedGen C0752123, MONDO:0010848, OMIM 600224.
Autosomal recessive spinocerebellar ataxia 14. Also called: CEREBELLAR ATAXIA, AUTOSOMAL RECESSIVE, SPECTRIN-ASSOCIATED, 1. Identifiers: Orphanet 352403, MedGen C4706415, MONDO:0014159, OMIM 615386.
Inborn genetic diseases. Identifiers: MedGen C0950123, MeSH D030342.

Allele frequency attached by ClinVar (database versions not stated): ExAC 0.00013; gnomAD 0.00013 and 0.00011; TOPMed 0.00014; ESP Exome Variant Server 0.00046; gnomAD exomes 0.00010.

Submissions (8):

Labcorp Genetics (formerly Invitae), Labcorp
Classification: Likely benign. Last evaluated: 2025-03-17. Review status: criteria provided, single submitter. Criteria: Invitae Variant Classification Sherloc (09022015). Collection method: clinical testing. Allele origin: germline.

Athena Diagnostics
Classification: Likely benign. Last evaluated: 2024-11-19. Review status: criteria provided, single submitter. Criteria: Athena Diagnostics Criteria. Collection method: clinical testing. Allele origin: unknown.

Ambry Genetics
Classification: Uncertain significance for Inborn genetic diseases. Last evaluated: 2022-01-28. Review status: criteria provided, single submitter. Criteria: Ambry Variant Classification Scheme 2023. Collection method: clinical testing. Allele origin: germline.
Comment: Unlikely to be causative of autosomal dominant SPTBN2-related spinocerebellar ataxia Based on insufficient or conflicting evidence, the clinical significance of this alteration remains unclear.

CeGaT Center for Human Genetics Tuebingen
Classification: Uncertain significance. Last evaluated: 2019-07-01. Review status: criteria provided, single submitter. Criteria: CeGaT Center For Human Genetics Tuebingen Variant Classification Criteria Version 2. Collection method: clinical testing. Allele origin: germline. Affected: yes. Observed: 1 variant allele.

Center for Precision Medicine, Vanderbilt University Medical Center
Classification: Likely pathogenic for Autosomal recessive spinocerebellar ataxia 14. Last evaluated: 2018-03-16. Review status: criteria provided, single submitter. Criteria: ACMG Guidelines, 2015. Collection method: research. Allele origin: germline. Inheritance: Autosomal recessive inheritance. Observed: 11 variant alleles, 11 heterozygotes. Clinical features observed: essential tremor, nystagmus and other irregular eye movements, abnormal involuntary movements.

O&I group, Department of Genetics, University Medical Center of Groningen
Classification: Uncertain significance for Spinocerebellar ataxia type 5. Last evaluated: 2021-07-22. Review status: no assertion criteria provided. Collection method: research. Allele origin: unknown. Not counted in ClinVar's aggregate classification.

Clinical Genetics DNA and cytogenetics Diagnostics Lab, Erasmus MC, Erasmus Medical Center
Classification: Uncertain significance. Review status: no assertion criteria provided. Collection method: clinical testing. Allele origin: germline. Affected: yes. Study: VKGL Data-share Consensus. Not counted in ClinVar's aggregate classification.

Diagnostic Laboratory, Department of Genetics, University Medical Center Groningen
Classification: Uncertain significance. Review status: no assertion criteria provided. Collection method: clinical testing. Allele origin: germline. Affected: yes. Study: VKGL Data-share Consensus. Not counted in ClinVar's aggregate classification.

Literature cited by the submitters: PubMed 35401678 (cited by Athena Diagnostics); PubMed 28362824 (cited by Athena Diagnostics); PubMed 29590070 (cited by Athena Diagnostics); PubMed 31589614 (cited by Athena Diagnostics); DOI 10.3389/fgene.2022.782685 (cited by O&I group, Department of Genetics, University Medical Center of Groningen).